The following is an entry in ClinVar:

NM_016006.6(ABHD5):c.773+1del

Gene: ABHD5 (abhydrolase domain containing 5, lysophosphatidic acid acyltransferase; plus strand). Cytogenetic location: 3p21.33.
Variant type: Deletion.
Coding change: c.773+1del on transcript NM_016006.6 (MANE Select); the canonical splice donor site of the intron after coding-DNA position 773, one base deleted (G; older notation c.773+1delG).
Molecular consequence: splice donor variant.
Genome position (GRCh38, 1-based): chr3:43,715,059, G deleted; the last of 2 consecutive G bases (chr3:43,715,058-43,715,059); deleting either gives the same sequence. VCF-style (leftmost placement, unchanged base first): chr3-43715057-AG-A. GRCh37 (hg19) VCF-style: chr3-43756549-AG-A.
Other names: c.773+1del (NM_001365650.1, NM_001355186.2); c.650+1del (NM_001365649.1).
Identifiers: ClinVar variation 2203347 (VCV002203347.4), dbSNP rs2528785565, ClinGen allele CA2580069850.
Genomic context (GRCh38, chr3:43,715,057, plus strand): 5'-TCAATGTTCGAAGACGATACTGTGACAGAATACATCTACCACTGTAATGTGCAGACTCCA[AG>A]GTGAGGGTTAGGATTCTCAATTCACTCTGTGTGTGTGTGTGTGTGTGTGTGTGTGTGTGT-3'

ClinVar aggregate classification (germline): Likely pathogenic (1 of 4 stars; one submission).

Submission:

Labcorp Genetics (formerly Invitae), Labcorp
Classification: Likely pathogenic. Last evaluated: 2022-03-12. Review status: criteria provided, single submitter. Criteria: Invitae Variant Classification Sherloc (09022015). Collection method: clinical testing. Allele origin: germline.
Comment: In summary, the currently available evidence indicates that the variant is pathogenic, but additional data are needed to prove that conclusively. Therefore, this variant has been classified as Likely Pathogenic. Algorithms developed to predict the effect of sequence changes on RNA splicing suggest that this variant may disrupt the consensus splice site. Disruption of this splice site has been observed in individual(s) with Chanarin-Dorfman syndrome (PMID: 25121381). This variant is not present in population databases (gnomAD no frequency). This sequence change affects a splice site in intron 5 of the ABHD5 gene. It is expected to disrupt RNA splicing. Variants that disrupt the donor or acceptor splice site typically lead to a loss of protein function (PMID: 16199547), and loss-of-function variants in ABHD5 are known to be pathogenic (PMID: 11590543).

Literature cited by the submitters: PubMed 25121381; PubMed 16199547; PubMed 11590543.